The following is an entry in ClinVar:

GRCh38/hg38 15q26.3(chr15:100515544-101045707)x3

Genes: ALDH1A3 (aldehyde dehydrogenase 1 family member A3; plus strand), ALDH1A3-AS1 (ALDH1A3 antisense RNA 1; minus strand), ASB7 (ankyrin repeat and SOCS box containing 7; plus strand), CERS3 (ceramide synthase 3; minus strand), GCAWKR (gastric cancer associated WDR5 and KAT2A binding lncRNA; plus strand) and 29 more. Cytogenetic location: 15q26.3.
Variant type: copy number gain.
Change: copy number 3 (three copies instead of two) of chr15:100,515,544-101,045,707 (530.2 kb, GRCh38 coordinates, 1-based), cytogenetic band 15q26.3.
Identifiers: ClinVar variation 150646 (VCV000150646.2).

ClinVar aggregate classification (germline): conflicting data from submitters (0 of 4 stars; one submission).

Submission:

ISCA site 4
Classification: conflicting data from submitters. Last evaluated: 2012-09-21. Review status: no assertion criteria provided. Collection method: clinical testing. Allele origin: unknown. Affected: yes. Observed: 2 variant alleles.
Comment: Uncertain significance(1), Likely benign (1)

Copy number variation identified through the course of routine clinical cytogenomic testing in postnatal populations, with clinical assertions as classified by the original submitter.